The following is an entry in ClinVar:

NM_002860.4(ALDH18A1):c.1199G>A (p.Arg400His)

Gene: ALDH18A1 (aldehyde dehydrogenase 18 family member A1; minus strand). Cytogenetic location: 10q24.1.
Variant type: single nucleotide variant.
Coding change: c.1199G>A on transcript NM_002860.4 (MANE Select); coding-DNA position 1199, G replaced by A.
Protein change: p.Arg400His; replaces arginine 400 with histidine.
Molecular consequence: missense variant.
Genome position (GRCh38, 1-based): chr10:95,625,409, C>T on the plus strand (G>A on the coding strand, the complement: ALDH18A1 is on the minus strand). VCF-style: chr10-95625409-C-T. GRCh37 (hg19) VCF-style: chr10-97385166-C-T.
Other names: c.1193G>A, p.Arg398His (NM_001017423.2, NM_001323415.2); c.866G>A, p.Arg289His (NM_001323412.2, NM_001323416.2); c.1199G>A, p.Arg400His (NM_001323413.2, NM_001323414.2); c.1094G>A, p.Arg365His (NM_001323417.2); c.860G>A, p.Arg287His (NM_001323418.2); c.563G>A, p.Arg188His (NM_001323419.2); short protein forms R398H, R400H, R188H, R287H, R289H, R365H.
Identifiers: ClinVar variation 862839 (VCV000862839.11), dbSNP rs1283928441, ClinGen allele CA377702729.

ClinVar aggregate classification (germline): Uncertain significance. Review status: criteria provided, multiple submitters, no conflicts (2 of 4 stars). 2 submissions from 2 submitters: Uncertain significance (2). Last evaluated 2025-11-24.

Conditions:
Cutis laxa, autosomal dominant 3 (ADCL3). Identifiers: Orphanet 90348, MedGen C4225268, MONDO:0014706, OMIM 616603.
Autosomal dominant spastic paraplegia type 9. Identifiers: MedGen C1832669, MONDO:0015091.
de Barsy syndrome. Also called: Cutis laxa-corneal clouding-oligophrenia syndrome. Identifiers: Orphanet 2962, MedGen C0268354, MONDO:0017569.

Allele frequency attached by ClinVar (database versions not stated): gnomAD below 0.00001 and 0.00001; gnomAD exomes below 0.00001 and 0.00001; TOPMed below 0.00001.
gnomAD v4.1: 13 of 1,613,908 alleles (0.00081%); highest among the groups gnomAD compares: South Asian, 0.0011%; no homozygotes.

Submissions (2):

Labcorp Genetics (formerly Invitae), Labcorp
Classification: Uncertain significance for Autosomal dominant spastic paraplegia type 9; de Barsy syndrome; Cutis laxa, autosomal dominant 3. Last evaluated: 2025-11-24. Review status: criteria provided, single submitter. Criteria: Invitae Variant Classification Sherloc (09022015). Collection method: clinical testing. Allele origin: germline.
Comment: This sequence change replaces arginine, which is basic and polar, with histidine, which is basic and polar, at codon 400 of the ALDH18A1 protein (p.Arg400His). This variant is present in population databases (no rsID available, gnomAD 0.0009%). This missense change has been observed in individual(s) with autosomal recessive hereditary spastic paraplegia (internal data). It has also been observed to segregate with disease in related individuals. ClinVar contains an entry for this variant (Variation ID: 862839). Invitae Evidence Modeling of protein sequence and biophysical properties (such as structural, functional, and spatial information, amino acid conservation, physicochemical variation, residue mobility, and thermodynamic stability) indicates that this missense variant is not expected to disrupt ALDH18A1 protein function with a negative predictive value of 95%. In summary, the available evidence is currently insufficient to determine the role of this variant in disease. Therefore, it has been classified as a Variant of Uncertain Significance.

Blueprint Genetics
Classification: Uncertain significance. Last evaluated: 2024-08-22. Review status: criteria provided, single submitter. Criteria: ACMG Guidelines, 2015. Collection method: clinical testing. Allele origin: germline.